The following is an entry in ClinVar:

NM_001184.4(ATR):c.2333T>G (p.Val778Gly)

Gene: ATR (ATR serine/threonine kinase; minus strand). Cytogenetic location: 3q23.
Variant type: single nucleotide variant.
Coding change: c.2333T>G on transcript NM_001184.4 (MANE Select); coding-DNA position 2333, T replaced by G.
Protein change: p.Val778Gly; replaces valine 778 with glycine.
Molecular consequence: missense variant.
Genome position (GRCh38, 1-based): chr3:142,555,885, A>C on the plus strand (T>G on the coding strand, the complement: ATR is on the minus strand). VCF-style: chr3-142555885-A-C. GRCh37 (hg19) VCF-style: chr3-142274727-A-C.
Other names: c.2141T>G, p.Val714Gly (NM_001354579.2); short protein forms V714G, V778G.
Identifiers: ClinVar variation 3461745 (VCV003461745.1).

ClinVar aggregate classification (germline): Uncertain significance (1 of 4 stars; one submission).

Conditions:
Inborn genetic diseases. Identifiers: MedGen C0950123, MeSH D030342.

Submission:

Ambry Genetics
Classification: Uncertain significance for Inborn genetic diseases. Last evaluated: 2024-11-17. Review status: criteria provided, single submitter. Criteria: Ambry Variant Classification Scheme 2023. Collection method: clinical testing. Allele origin: germline.
Comment: The p.V778G variant (also known as c.2333T>G), located in coding exon 10 of the ATR gene, results from a T to G substitution at nucleotide position 2333. The valine at codon 778 is replaced by glycine, an amino acid with dissimilar properties. This amino acid position is conserved. In addition, this alteration is predicted to be deleterious by in silico analysis. Based on the available evidence, the clinical significance of this variant remains unclear.